The following is an entry in ClinVar:

ClinVar aggregate classification (germline): Benign (1 of 4 stars; one submission).

Conditions:
MELAS syndrome (MELAS). Also called: Juvenile myopathy, encephalopathy, lactic acidosis, stroke. Identifiers: Orphanet 550, MedGen C0162671, MONDO:0010789, OMIM 540000.

Submission:

Wong Mito Lab, Molecular and Human Genetics, Baylor College of Medicine
Classification: Benign for MELAS syndrome. Last evaluated: 2019-07-12. Review status: criteria provided, single submitter. Criteria: Modified ACMG Guidelines (Unpublished). Collection method: clinical testing. Allele origin: germline.
Comment: The NC_012920.1:m.12189T>C variant in MT-TH gene is interpreted to be a Benign variant based on the modified ACMG guidelines (unpublished). This variant meets the following evidence codes reported in the guidelines: BS1, BS2, BP4

Literature cited by the submitters: PubMed 31965079.

NC_012920.1(MT-TH):m.12189T>C

Gene: MT-TH (mitochondrially encoded tRNA histidine; plus strand).
Variant type: single nucleotide variant.
Genome position: chrM-12189-T-C.
Identifiers: ClinVar variation 690151 (VCV000690151.1), dbSNP rs28505538, ClinGen allele CA337099412.